The following is an entry in ClinVar:

NM_024757.5(EHMT1):c.2670G>T (p.Lys890Asn)

Gene: EHMT1 (euchromatic histone lysine methyltransferase 1; plus strand). Cytogenetic location: 9q34.3.
Variant type: single nucleotide variant.
Coding change: c.2670G>T on transcript NM_024757.5 (MANE Select); coding-DNA position 2670, G replaced by T.
Protein change: p.Lys890Asn; replaces lysine 890 with asparagine.
Molecular consequence: missense variant.
Genome position (GRCh38, 1-based): chr9:137,800,942, G>T. VCF-style: chr9-137800942-G-T. GRCh37 (hg19) VCF-style: chr9-140695394-G-T.
Other names: c.2649G>T, p.Lys883Asn (NM_001354263.2); short protein forms K890N, K883N.
Identifiers: ClinVar variation 943497 (VCV000943497.11), dbSNP rs1346178132, ClinGen allele CA375788936.
Genomic context (GRCh38, chr9:137,800,942, plus strand): 5'-TGACGGAGGCTGGACACCCATGATCTGGGCCACAGAGTACAAGCACGTGGACCTCGTGAA[G>T]CTGCTGCTGTCCAAGGGCTCTGACATCAACATCCGAGACAACGTAAGTTCGTCACACCCT-3'
Protein context (NP_079033.4, residues 880-900): ATEYKHVDLV[Lys890Asn]LLLSKGSDIN

ClinVar aggregate classification (germline): Conflicting classifications of pathogenicity. Review status: criteria provided, conflicting classifications (1 of 4 stars). 2 submissions from 2 submitters: Uncertain significance (1); Benign (1). Last evaluated 2025-04-14.

Conditions:
Kleefstra syndrome 1 (KLEFS1). Identifiers: Orphanet 261494, MedGen C0795833, MONDO:0027407, OMIM 610253.

Allele frequency attached by ClinVar (database versions not stated): gnomAD exomes below 0.00001 and 0.00001; gnomAD 0.00002.
gnomAD v4.1: 15 of 1,614,084 alleles (0.00093%); highest among the groups gnomAD compares: Non-Finnish European, 0.0012%; no homozygotes.

Submissions (2):

Labcorp Genetics (formerly Invitae), Labcorp
Classification: Benign for Kleefstra syndrome 1. Last evaluated: 2025-04-14. Review status: criteria provided, single submitter. Criteria: Invitae Variant Classification Sherloc (09022015). Collection method: clinical testing. Allele origin: germline.

GeneDx
Classification: Uncertain significance. Last evaluated: 2024-09-05. Review status: criteria provided, single submitter. Criteria: GeneDx Variant Classification Process June 2021. Collection method: clinical testing. Allele origin: germline. Affected: yes.
Comment: Not observed at significant frequency in large population cohorts (gnomAD); In silico analysis supports that this missense variant has a deleterious effect on protein structure/function; Has not been previously published as pathogenic or benign to our knowledge